The following is an entry in ClinVar:

ClinVar aggregate classification (germline): Uncertain significance (1 of 4 stars; one submission).

Conditions:
Creatine transporter deficiency (CCDS1). Also called: Mental retardation , X-linked with seizures, short stature and midface hypoplasia; Mental retardation , X-linked, with creatine transport deficiency; X-linked creatine transporter deficiency; X-linked creatine deficiency syndrome; SLC6A8-Related Creatine Transporter Deficiency; CREATINE TRANSPORTER DEFECT. Identifiers: Orphanet 52503, MedGen C1845862, MONDO:0010305, OMIM 300352.

Submission:

Labcorp Genetics (formerly Invitae), Labcorp
Classification: Uncertain significance for Creatine transporter deficiency. Last evaluated: 2024-07-11. Review status: criteria provided, single submitter. Criteria: Invitae Variant Classification Sherloc (09022015). Collection method: clinical testing. Allele origin: germline.
Comment: This sequence change falls in intron 11 of the SLC6A8 gene. It does not directly change the encoded amino acid sequence of the SLC6A8 protein. This variant is not present in population databases (gnomAD no frequency). This variant has not been reported in the literature in individuals affected with SLC6A8-related conditions. Experimental studies and prediction algorithms are not available or were not evaluated, and the effect of this variant on mRNA splicing is currently unknown. In summary, the available evidence is currently insufficient to determine the role of this variant in disease. Therefore, it has been classified as a Variant of Uncertain Significance.

NM_005629.4(SLC6A8):c.1596+20_1596+36dup

Gene: SLC6A8 (solute carrier family 6 member 8; plus strand). Cytogenetic location: Xq28.
Variant type: Duplication.
Coding change: c.1596+20_1596+36dup on transcript NM_005629.4 (MANE Select); bases 20 to 36 of the intron after coding-DNA position 1596, 17 bases duplicated (GGGCAGGGCGGGGGGCG).
Molecular consequence: intron variant.
Genome position (GRCh38, 1-based): chrX:153,694,653-153,694,669, GGGCAGGGCGGGGGGCG duplicated; duplicating any 17 consecutive bases within chrX:153,694,652-153,694,669 gives the same sequence; the c. name uses the placement nearest the transcript's 3' end. VCF-style (leftmost placement, unchanged base first): chrX-153694651-T-TGGGGCAGGGCGGGGGGC. GRCh37 (hg19) VCF-style: chrX-152960106-T-TGGGGCAGGGCGGGGGGC.
Other names: c.1566+20_1566+36dup (NM_001142805.2); c.1251+20_1251+36dup (NM_001142806.1).
Identifiers: ClinVar variation 3707165 (VCV003707165.1).
Genomic context (GRCh38, chrX:153,694,651, plus strand): 5'-GATGAAATGGTGCTGGTCCTTCTTCACCCCGCTGGTCTGCATGGTAAGGGCTGGGGGAGG[T>TGGGGCAGGGCGGGGGGC]GGGGCAGGGCGGGGGGCGAGGCAGGGCGGGGTAGGGGCCCCATTAACCGCAGCATTCTGG-3'